The following is an entry in ClinVar:

ClinVar aggregate classification (germline): Uncertain significance (1 of 4 stars; one submission).

Submission:

GeneDx
Classification: Uncertain significance. Last evaluated: 2026-02-18. Review status: criteria provided, single submitter. Criteria: GeneDx Variant Classification Process June 2021. Collection method: clinical testing. Allele origin: germline.
Comment: Not observed at significant frequency in large population cohorts (gnomAD); In-frame deletion of 1 amino acid and in frame insertion of 2 amino acids in a non-repeat region; In silico analysis supports a deleterious effect on protein structure/function; Has not been previously published as pathogenic or benign to our knowledge

NM_015378.4(VPS13D):c.10585delinsAGTA (p.Phe3529delinsSerIle)

Gene: VPS13D (vacuolar protein sorting 13 homolog D; plus strand). Cytogenetic location: 1p36.22.
Variant type: Indel.
Coding change: c.10585delinsAGTA on transcript NM_015378.4 (MANE Select); coding-DNA position 10585, T replaced by AGTA.
Protein change: p.Phe3529delinsSerIle.
Molecular consequence: inframe indel.
Genome position (GRCh38, 1-based): chr1:12,369,479, T replaced by AGTA. VCF-style: chr1-12369479-T-AGTA. GRCh37 (hg19) VCF-style: chr1-12429534-T-AGTA.
Other names: c.10510delinsAGTA, p.Phe3504delinsSerIle (NM_018156.4).
Identifiers: ClinVar variation 4086465 (VCV004086465.2).
Genomic context (GRCh38, chr1:12,369,479, plus strand): 5'-CCCCACTCTGAATGAAAGTCCTCTTTGTCCTCTCTGCCATCACTCTAGGTCCCGGTTGTC[T>AGTA]TTACTCAGCATGGCGTAGCTGAACCCAGGCTCCGGACTGAAGTGAAGCCCATGACTTCAT-3'